The following is an entry in ClinVar:

NM_000492.4(CFTR):c.2818_2831del (p.Thr940fs)

Gene: CFTR (CF transmembrane conductance regulator; plus strand). Cytogenetic location: 7q31.2.
Variant type: Deletion.
Coding change: c.2818_2831del on transcript NM_000492.4 (MANE Select); coding-DNA positions 2818 to 2831, 14 bases deleted (ACTCTAATCACAGT).
Protein change: p.Thr940fs; shifts the reading frame from threonine 940.
Molecular consequence: frameshift variant.
Genome position (GRCh38, 1-based): chr7:117,603,692-117,603,705, ACTCTAATCACAGT deleted; deleting any 14 consecutive bases within chr7:117,603,691-117,603,705 gives the same sequence; the c. name uses the placement nearest the transcript's 3' end. VCF-style (leftmost placement, unchanged base first): chr7-117603690-ATACTCTAATCACAG-A. GRCh37 (hg19) VCF-style: chr7-117243744-ATACTCTAATCACAG-A.
Other names: short protein forms T940fs.
Identifiers: ClinVar variation 2757127 (VCV002757127.3), dbSNP rs2485122173, ClinGen allele CA2697557581.

ClinVar aggregate classification (germline): Pathogenic (1 of 4 stars; one submission).

Conditions:
Cystic fibrosis (CF). Also called: MUCOVISCIDOSIS. Identifiers: Orphanet 586, MedGen C0010674, MONDO:0009061, OMIM 219700. Disease mechanism: loss of function.

Submission:

Labcorp Genetics (formerly Invitae), Labcorp
Classification: Pathogenic for Cystic fibrosis. Last evaluated: 2023-09-01. Review status: criteria provided, single submitter. Criteria: Invitae Variant Classification Sherloc (09022015). Collection method: clinical testing. Allele origin: germline.
Comment: This sequence change creates a premature translational stop signal (p.Thr940Valfs*30) in the CFTR gene. It is expected to result in an absent or disrupted protein product. Loss-of-function variants in CFTR are known to be pathogenic (PMID: 1695717, 7691345, 9725922). This variant is not present in population databases (gnomAD no frequency). This variant has not been reported in the literature in individuals affected with CFTR-related conditions. For these reasons, this variant has been classified as Pathogenic.

Literature cited by the submitters: PubMed 1695717; PubMed 7691345; PubMed 9725922.